The following is an entry in ClinVar:

ClinVar aggregate classification (germline): Likely pathogenic. Review status: criteria provided, multiple submitters, no conflicts (2 of 4 stars). 4 submissions from 4 submitters: Likely pathogenic (3). 1 of the submissions does not count toward it. Last evaluated 2026-02-26.

Conditions:
Infantile neuroaxonal dystrophy (NBIA2A). Also called: SEITELBERGER DISEASE; NEURODEGENERATION WITH BRAIN IRON ACCUMULATION 2A; Infantile neuroaxonal dystrophy 1. Identifiers: Orphanet 35069, MedGen C0270724, MONDO:0024457, OMIM 256600.
PLA2G6-associated neurodegeneration (PLAN). Also called: phospholipase A2-associated neurodegeneration. Identifiers: Orphanet 329303, MedGen CN204472, MONDO:0017998.

Allele frequency attached by ClinVar (database versions not stated): TOPMed 0.00001.

Submissions (4):

Illumina Laboratory Services, Illumina
Classification: Likely pathogenic for PLA2G6-associated neurodegeneration. Last evaluated: 2026-02-26. Review status: criteria provided, single submitter. Criteria: ISL SNV Classification Criteria 19 June 2025. Collection method: clinical testing. Allele origin: unknown. Affected: yes.
Comment: The PLA2G6 c.2035-926G>A variant occurs in an intron. The c.2035-926G>A variant is not observed at a significant frequency in version 4.1.0 of the Genome Aggregation Database. A functional study conducted in patient fibroblast cells demonstrated that the c.2035-926G>A variant results in abnormal splicing (PMID: 35247231). Based on the available evidence, the c.2035-926G>A variant is classified as likely pathogenic for PLA2G6-associated neurodegeneration.

GeneDx
Classification: Likely pathogenic. Last evaluated: 2023-11-28. Review status: criteria provided, single submitter. Criteria: GeneDx Variant Classification Process June 2021. Collection method: clinical testing. Allele origin: germline. Affected: yes.
Comment: Published RNA functional studies demonstrate a damaging effect, including creation of a cryptic splice acceptor site and the generation of a pseudo-exon that contains a premature stop codon leading to nonsense mediated decay (PMID: 35247231); In silico analysis supports a deleterious effect on splicing; No data available from control populations to assess the frequency of this variant; This variant is associated with the following publications: (PMID: 35247231)

CeGaT Center for Human Genetics Tuebingen
Classification: Likely pathogenic. Last evaluated: 2022-07-01. Review status: criteria provided, single submitter. Criteria: CeGaT Center For Human Genetics Tuebingen Variant Classification Criteria Version 2. Collection method: clinical testing. Allele origin: germline. Affected: yes. Observed: 1 variant allele.
Comment: PLA2G6: PM2, PM3:Supporting, PP1, PP3, PS3:Supporting

Undiagnosed Diseases Network, NIH
Classification: Uncertain significance for Infantile neuroaxonal dystrophy. Last evaluated: 2022-04-02. Review status: no assertion criteria provided. Collection method: clinical testing. Allele origin: paternal. Affected: yes. Observed: 1 variant allele, 1 compound heterozygote. Not counted in ClinVar's aggregate classification.

Literature cited by the submitters: PubMed 35247231 (cited by Illumina Laboratory Services, Illumina and Undiagnosed Diseases Network, NIH).

NM_003560.4(PLA2G6):c.2035-926G>A

Gene: PLA2G6 (phospholipase A2 group VI; minus strand). Cytogenetic location: 22q13.1.
Variant type: single nucleotide variant.
Coding change: c.2035-926G>A on transcript NM_003560.4 (MANE Select); 926 bases into the intron before coding-DNA position 2035, G replaced by A.
Molecular consequence: intron variant.
Genome position (GRCh38, 1-based): chr22:38,114,580, C>T on the plus strand (G>A on the coding strand, the complement: PLA2G6 is on the minus strand). VCF-style: chr22-38114580-C-T. GRCh37 (hg19) VCF-style: chr22-38510587-C-T.
Other names: c.2035-926G>A (NM_003560.3, NM_001349864.2, NM_003560.2); c.1357-926G>A (NM_001349868.2); c.1873-926G>A (NM_001349866.2, NM_001199562.3, NM_001349865.2 and 1 more transcripts); c.1339-926G>A (NM_001349869.2); c.1501-926G>A (NM_001349867.2).
Identifiers: ClinVar variation 1711552 (VCV001711552.33), dbSNP rs930495767, ClinGen allele CA324182458.